The following is an entry in ClinVar:

NM_001319074.4(RAX2):c.34G>A (p.Glu12Lys)

Gene: RAX2 (retina and anterior neural fold homeobox 2; minus strand). Cytogenetic location: 19p13.3.
Variant type: single nucleotide variant.
Coding change: c.34G>A on transcript NM_001319074.4 (MANE Select); coding-DNA position 34, G replaced by A.
Protein change: p.Glu12Lys; replaces glutamic acid 12 with lysine.
Molecular consequence: missense variant.
Genome position (GRCh38, 1-based): chr19:3,771,709, C>T on the plus strand (G>A on the coding strand, the complement: RAX2 is on the minus strand). VCF-style: chr19-3771709-C-T. GRCh37 (hg19) VCF-style: chr19-3771707-C-T.
Other names: c.34G>A, p.Glu12Lys (NM_032753.4); short protein forms E12K.
Identifiers: ClinVar variation 963831 (VCV000963831.11), dbSNP rs538785333, ClinGen allele CA9085137.

ClinVar aggregate classification (germline): Uncertain significance. Review status: criteria provided, multiple submitters, no conflicts (2 of 4 stars). 2 submissions from 2 submitters: Uncertain significance (2). Last evaluated 2025-12-24.

Allele frequency attached by ClinVar (database versions not stated): gnomAD 0.00001; gnomAD exomes 0.00001 and 0.00002; ExAC 0.00002; TOPMed 0.00003; 1000 Genomes Project 30x 0.00016; 1000 Genomes Project 0.00020.
gnomAD v4.1: 21 of 1,609,836 alleles (0.0013%); highest among the groups gnomAD compares: Admixed American, 0.0033%; no homozygotes.

Submissions (2):

Labcorp Genetics (formerly Invitae), Labcorp
Classification: Uncertain significance. Last evaluated: 2025-12-24. Review status: criteria provided, single submitter. Criteria: Invitae Variant Classification Sherloc (09022015). Collection method: clinical testing. Allele origin: germline.
Comment: This sequence change replaces glutamic acid, which is acidic and polar, with lysine, which is basic and polar, at codon 12 of the RAX2 protein (p.Glu12Lys). This variant is present in population databases (rs538785333, gnomAD 0.007%). This variant has not been reported in the literature in individuals affected with RAX2-related conditions. ClinVar contains an entry for this variant (Variation ID: 963831). An algorithm developed to predict the effect of missense changes on protein structure and function (PolyPhen-2) suggests that this variant is likely to be tolerated. In summary, the available evidence is currently insufficient to determine the role of this variant in disease. Therefore, it has been classified as a Variant of Uncertain Significance.

Blueprint Genetics
Classification: Uncertain significance. Last evaluated: 2022-07-14. Review status: criteria provided, single submitter. Criteria: ACMG Guidelines, 2015. Collection method: clinical testing. Allele origin: germline.